The following is an entry in ClinVar:

NM_001195263.2(PDZD7):c.371G>A (p.Arg124Gln)

Gene: PDZD7 (PDZ domain containing 7; minus strand). Cytogenetic location: 10q24.31.
Variant type: single nucleotide variant.
Coding change: c.371G>A on transcript NM_001195263.2 (MANE Select); coding-DNA position 371, G replaced by A.
Protein change: p.Arg124Gln; replaces arginine 124 with glutamine.
Molecular consequence: missense variant.
Genome position (GRCh38, 1-based): chr10:101,023,607, C>T on the plus strand (G>A on the coding strand, the complement: PDZD7 is on the minus strand). VCF-style: chr10-101023607-C-T. GRCh37 (hg19) VCF-style: chr10-102783364-C-T.
Other names: c.371G>A, p.Arg124Gln (NM_001351044.2, NM_024895.5); short protein forms R124Q.
Identifiers: ClinVar variation 845748 (VCV000845748.13), dbSNP rs371205668, ClinGen allele CA5654401.
Genomic context (GRCh38, chr10:101,023,607, plus strand): 5'-GTGCTCTCCAGGCTCAGCCCATTCACCTCCGTGATCTTGTCCCCCACGCACAGGCCAGCC[C>T]GCTCTGCACCACAGGATGGGAGTGGCTGGCATGGGTCCCCAGGGTGGGGCTGAGCCTCCC-3'
Protein context (NP_001182192.1, residues 114-134): SKVEEGSSAE[Arg124Gln]AGLCVGDKIT

ClinVar aggregate classification (germline): Uncertain significance. Review status: criteria provided, multiple submitters, no conflicts (2 of 4 stars). 3 submissions from 3 submitters: Uncertain significance (3). Last evaluated 2024-03-25.

Allele frequency attached by ClinVar (database versions not stated): gnomAD 0.00001 and 0.00002; TOPMed 0.00001; ESP Exome Variant Server 0.00008.
gnomAD v4.1: 57 of 1,611,506 alleles (0.0035%); highest among the groups gnomAD compares: Admixed American, 0.0067%; no homozygotes.

Submissions (3):

Blueprint Genetics
Classification: Uncertain significance. Last evaluated: 2024-03-25. Review status: criteria provided, single submitter. Criteria: ACMG Guidelines, 2015. Collection method: clinical testing. Allele origin: germline.

GeneDx
Classification: Uncertain significance. Last evaluated: 2023-03-06. Review status: criteria provided, single submitter. Criteria: GeneDx Variant Classification Process June 2021. Collection method: clinical testing. Allele origin: germline. Affected: yes.
Comment: In silico analysis supports a deleterious effect on splicing; Has not been previously published as pathogenic or benign to our knowledge

Labcorp Genetics (formerly Invitae), Labcorp
Classification: Uncertain significance. Last evaluated: 2021-05-08. Review status: criteria provided, single submitter. Criteria: Invitae Variant Classification Sherloc (09022015). Collection method: clinical testing. Allele origin: germline.
Comment: This sequence change replaces arginine with glutamine at codon 124 of the PDZD7 protein (p.Arg124Gln). The arginine residue is moderately conserved and there is a small physicochemical difference between arginine and glutamine. This variant is present in population databases (rs371205668, ExAC 0.009%). This variant has not been reported in the literature in individuals with PDZD7-related conditions. ClinVar contains an entry for this variant (Variation ID: 845748). Algorithms developed to predict the effect of missense changes on protein structure and function are either unavailable or do not agree on the potential impact of this missense change (SIFT: "Tolerated"; PolyPhen-2: "Not Available"; Align-GVGD: "Class C0"). In summary, the available evidence is currently insufficient to determine the role of this variant in disease. Therefore, it has been classified as a Variant of Uncertain Significance.